The following is an entry in ClinVar:

NM_000455.5(STK11):c.9G>A (p.Val3=)

Gene: STK11 (serine/threonine kinase 11; plus strand). Cytogenetic location: 19p13.3.
Variant type: single nucleotide variant.
Coding change: c.9G>A on transcript NM_000455.5 (MANE Select); coding-DNA position 9, G replaced by A.
Protein change: p.Val3=; no amino-acid change (valine 3 retained).
Molecular consequence: synonymous variant.
Genome position (GRCh38, 1-based): chr19:1,206,922, G>A. VCF-style: chr19-1206922-G-A. GRCh37 (hg19) VCF-style: chr19-1206921-G-A.
Identifiers: ClinVar variation 527859 (VCV000527859.12), dbSNP rs1555734857, ClinGen allele CA504706062.
Genomic context (GRCh38, chr19:1,206,922, plus strand): 5'-CTCACCCGCGGACTCAGGGCTGGCGGCGGGACTCCAGGACCCTGGGTCCAGCATGGAGGT[G>A]GTGGACCCGCAGCAGCTGGGCATGTTCACGGAGGGCGAGCTGATGTCGGTGGGTATGGAC-3'
Protein context (NP_000446.1, residues 1-13): ME[Val3=]VDPQQLGMFT

ClinVar aggregate classification (germline): Benign/Likely benign. Review status: criteria provided, multiple submitters, no conflicts (2 of 4 stars). 3 submissions from 3 submitters: Benign (1); Likely benign (2). Last evaluated 2025-03-24.

Conditions:
Hereditary cancer-predisposing syndrome. Also called: Neoplastic Syndromes, Hereditary; Tumor predisposition; Hereditary neoplastic syndrome; Hereditary Cancer Syndrome. Identifiers: Orphanet 140162, MedGen C0027672, MeSH D009386, MONDO:0015356.
Peutz-Jeghers syndrome (PJS). Also called: POLYPOSIS, HAMARTOMATOUS INTESTINAL; POLYPS-AND-SPOTS SYNDROME; Peutz-Jeghers polyposis; Periorificial lentiginosis syndrome. Identifiers: Orphanet 2869, MedGen C0031269, MeSH D010580, MONDO:0008280, OMIM 175200.

Submissions (3):

Myriad Genetics, Inc.
Classification: Benign for Peutz-Jeghers syndrome. Last evaluated: 2025-03-24. Review status: criteria provided, single submitter. Criteria: Myriad Autosomal Dominant, Autosomal Recessive and X-Linked Classification Criteria (2023). Collection method: clinical testing. Allele origin: unknown.
Comment: This variant is considered benign. This variant is a silent/synonymous amino acid change and it is not expected to impact splicing.

Labcorp Genetics (formerly Invitae), Labcorp
Classification: Likely benign for Peutz-Jeghers syndrome. Last evaluated: 2021-12-11. Review status: criteria provided, single submitter. Criteria: Invitae Variant Classification Sherloc (09022015). Collection method: clinical testing. Allele origin: germline.

Ambry Genetics
Classification: Likely benign for Hereditary cancer-predisposing syndrome. Last evaluated: 2020-12-02. Review status: criteria provided, single submitter. Criteria: Ambry Variant Classification Scheme 2023. Collection method: clinical testing. Allele origin: germline.